The following is an entry in ClinVar:

ClinVar aggregate classification (germline): Pathogenic (0 of 4 stars; one submission).

Conditions:
Neurofibromatosis, type 1 (NF1). Also called: VON RECKLINGHAUSEN DISEASE; NEUROFIBROMATOSIS, TYPE I, SOMATIC; Peripheral type neurofibromatosis; Neurofibromatosis, type I. Identifiers: Orphanet 636, MedGen C0027831, MONDO:0018975, OMIM 162200. Disease mechanism: loss of function.

Submission:

Department of Traditional Chinese Medicine, Fujian Provincial Hospital
Classification: Pathogenic for Neurofibromatosis, type 1. Review status: no assertion criteria provided. Collection method: research. Allele origin: de novo. Affected: no.
Comment: The chromosome position of this mutation is CHR17 : 29592292 (genome version: HG19), transcript NM_001042492, located in the 36th exon, which is a frameshift mutation.It was confirmed as a new mutation by pedigree validation.It is reported as DM in the HGMD Professional Database .Not included in the East Asian population of the gnomAD database.Refer to the ACMG Gene Mutation Interpretation Guide, the site conforms to 3 pieces of evidence (PVS, PM2, PM6) and is graded as Pathogenic.

Literature cited by the submitters: PubMed 31717729.

NM_001042492.3(NF1):c.4770_4771del (p.Ser1591fs)

Gene: NF1 (neurofibromin 1; plus strand). Cytogenetic location: 17q11.2.
Variant type: Deletion.
Coding change: c.4770_4771del on transcript NM_001042492.3 (MANE Select); coding-DNA positions 4770 to 4771, 2 bases deleted (AA; older notation c.4770_4771delAA).
Protein change: p.Ser1591fs; shifts the reading frame from serine 1591.
Molecular consequence: frameshift variant.
Genome position (GRCh38, 1-based): chr17:31,265,274-31,265,275, AA deleted. VCF-style (leftmost placement, unchanged base first): chr17-31265273-TAA-T. GRCh37 (hg19) VCF-style: chr17-29592291-TAA-T.
Other names: c.4707_4708delAA, p.Ser1570Tyrfs (NM_000267.4); short protein forms S1570fs, S1591fs.
Identifiers: ClinVar variation 1697285 (VCV001697285.2), dbSNP rs2151470150, ClinGen allele CA2580093339.
Genomic context (GRCh38, chr17:31,265,273, plus strand): 5'-GTTATTTTTCTTTTAGGCATCAGGTACATGAAAAAGAAGAATTCAAGGCTTTGAAAACGT[TAA>T]GTATTTTCTACCAAGCTGGGACTTCCAAAGCTGGGAATCCTATTTTTTATTATGTTGCAC-3'